The following is an entry in ClinVar:

ClinVar aggregate classification (germline): Pathogenic (1 of 4 stars; one submission).

Conditions:
Wiskott-Aldrich syndrome (WAS). Also called: Wiskott-aldrich syndrome, somatic; ALDRICH SYNDROME; IMMUNODEFICIENCY 2; WISKOTT-ALDRICH SYNDROME 1. Identifiers: Orphanet 906, MedGen C0043194, MONDO:0010518, OMIM 301000.
X-linked severe congenital neutropenia (SCNX). Identifiers: Orphanet 86788, MedGen C1845987, MONDO:0010294, OMIM 300299.
Thrombocytopenia 1. Also called: X-Linked Thrombocytopenia (XLT); THROMBOCYTOPENIA, X-LINKED, 1; X-linked thrombocytopenia with normal platelets. Identifiers: Orphanet 268322, Orphanet 852, MedGen C1839163, MONDO:0010743, OMIM 313900.

Submission:

Labcorp Genetics (formerly Invitae), Labcorp
Classification: Pathogenic for Wiskott-Aldrich syndrome; X-linked severe congenital neutropenia; Thrombocytopenia 1. Last evaluated: 2024-10-22. Review status: criteria provided, single submitter. Criteria: Invitae Variant Classification Sherloc (09022015). Collection method: clinical testing. Allele origin: germline.
Comment: This sequence change creates a premature translational stop signal (p.Gly322*) in the WAS gene. It is expected to result in an absent or disrupted protein product. Loss-of-function variants in WAS are known to be pathogenic (PMID: 15284122). This variant is not present in population databases (gnomAD no frequency). This variant has not been reported in the literature in individuals affected with WAS-related conditions. ClinVar contains an entry for this variant (Variation ID: 2013847). For these reasons, this variant has been classified as Pathogenic.

Literature cited by the submitters: PubMed 15284122.

NM_000377.3(WAS):c.964G>T (p.Gly322Ter)

Gene: WAS (WASP actin nucleation promoting factor; plus strand). Cytogenetic location: Xp11.23.
Variant type: single nucleotide variant.
Coding change: c.964G>T on transcript NM_000377.3 (MANE Select); coding-DNA position 964, G replaced by T.
Protein change: p.Gly322Ter; replaces glycine 322 with a stop codon.
Molecular consequence: nonsense.
Genome position (GRCh38, 1-based): chrX:48,688,692, G>T. VCF-style: chrX-48688692-G-T. GRCh37 (hg19) VCF-style: chrX-48547081-G-T.
Other names: short protein forms G322*.
Identifiers: ClinVar variation 2013847 (VCV002013847.4), dbSNP rs2519286526, ClinGen allele CA412872767.